The following is an entry in ClinVar:

ClinVar aggregate classification (germline): Uncertain significance (1 of 4 stars; one submission).

Conditions:
Hereditary cancer-predisposing syndrome. Also called: Tumor predisposition; Neoplastic Syndromes, Hereditary; Hereditary Cancer Syndrome; Hereditary neoplastic syndrome. Identifiers: Orphanet 140162, MedGen C0027672, MeSH D009386, MONDO:0015356.

Submission:

Ambry Genetics
Classification: Uncertain significance for Hereditary cancer-predisposing syndrome. Last evaluated: 2024-12-07. Review status: criteria provided, single submitter. Criteria: Ambry Variant Classification Scheme 2023. Collection method: clinical testing. Allele origin: germline.
Comment: The p.I359T variant (also known as c.1076T>C), located in coding exon 11 of the FANCC gene, results from a T to C substitution at nucleotide position 1076. The isoleucine at codon 359 is replaced by threonine, an amino acid with similar properties. This amino acid position is conserved. In addition, this alteration is predicted to be tolerated by in silico analysis. Based on the available evidence, the clinical significance of this variant remains unclear.

NM_000136.3(FANCC):c.1076T>C (p.Ile359Thr)

Genes: FANCC (FA complementation group C; minus strand), AOPEP (aminopeptidase O (putative); plus strand). Cytogenetic location: 9q22.32.
Variant type: single nucleotide variant.
Coding change: c.1076T>C on transcript NM_000136.3 (MANE Select); coding-DNA position 1076, T replaced by C.
Protein change: p.Ile359Thr; replaces isoleucine 359 with threonine.
Molecular consequence: missense variant.
Genome position (GRCh38, 1-based): chr9:95,114,707, A>G on the plus strand (T>C on the coding strand, the complement: FANCC is on the minus strand). VCF-style: chr9-95114707-A-G. GRCh37 (hg19) VCF-style: chr9-97876989-A-G.
Other names: c.1076T>C, p.Ile359Thr (NM_001243743.2, NM_001243744.2); short protein forms I359T.
Identifiers: ClinVar variation 3512813 (VCV003512813.1).